The following is an entry in ClinVar:

NM_001122659.3(EDNRB):c.*1546A>G

Genes: EDNRB-AS1 (EDNRB antisense RNA 1; plus strand), EDNRB (endothelin receptor type B; minus strand). Cytogenetic location: 13q22.3.
Variant type: single nucleotide variant.
Coding change: c.*1546A>G on transcript NM_001122659.3 (MANE Select); 1546 bases downstream of the stop codon, A replaced by G.
Molecular consequence: 3 prime UTR variant. On other transcripts: intron variant (1).
Genome position (GRCh38, 1-based): chr13:77,896,654, T>C on the plus strand (A>G on the coding strand, the complement: EDNRB is on the minus strand). VCF-style: chr13-77896654-T-C. GRCh37 (hg19) VCF-style: chr13-78470789-T-C.
Other names: c.*1546A>G (NM_000115.5, NM_001201397.2); c.1195-96A>G (NM_003991.4).
Identifiers: ClinVar variation 312454 (VCV000312454.8), dbSNP rs3027094, ClinGen allele CA10644815.

ClinVar aggregate classification (germline): Benign/Likely benign. Review status: criteria provided, multiple submitters, no conflicts (2 of 4 stars). 3 submissions from 3 submitters: Benign (1); Likely benign (2). Last evaluated 2018-07-05.

Conditions:
Hirschsprung disease, susceptibility to, 2. Identifiers: Orphanet 388, MedGen C1838564, MONDO:0010833, OMIM 600155.

Allele frequency attached by ClinVar (database versions not stated): gnomAD 0.01748 and 0.01879; 1000 Genomes Project 0.01478; 1000 Genomes Project 30x 0.01515; gnomAD exomes 0.00257; TOPMed 0.02011.
gnomAD v4.1: 6,329 of 1,489,870 alleles (0.42%); highest among the groups gnomAD compares: African/African-American, 5.9%; 150 homozygotes.

Submissions (3):

GeneDx
Classification: Benign. Last evaluated: 2018-07-05. Review status: criteria provided, single submitter. Criteria: GeneDx Variant Classification Process June 2021. Collection method: clinical testing. Allele origin: germline. Affected: yes.

Illumina Laboratory Services, Illumina
Classification: Likely benign for Hirschsprung disease, susceptibility to, 2. Last evaluated: 2018-01-13. Review status: criteria provided, single submitter. Criteria: ICSL Variant Classification Criteria 13 December 2019. Collection method: clinical testing. Allele origin: germline.
Comment: This variant was observed in the ICSL laboratory as part of a predisposition screen in an ostensibly healthy population. It had not been previously curated by ICSL or reported in the Human Gene Mutation Database (HGMD: prior to June 1st, 2018), and was therefore a candidate for classification through an automated scoring system. Utilizing variant allele frequency, disease prevalence and penetrance estimates, and inheritance mode, an automated score was calculated to assess if this variant is too frequent to cause the disease. Based on the score and internal cut-off values, a variant classified as likely benign is not then subjected to further curation. The score for this variant resulted in a classification of likely benign for this disease.

Breakthrough Genomics
Classification: Likely benign. Review status: criteria provided, single submitter. Criteria: ACMG Guidelines, 2015. Collection method: not provided. Allele origin: germline. Inheritance: Autosomal recessive inheritance. Affected: yes.